The following is an entry in ClinVar:

ClinVar aggregate classification (germline): Uncertain significance (1 of 4 stars; one submission).

Submission:

GeneDx
Classification: Uncertain significance. Last evaluated: 2025-01-15. Review status: criteria provided, single submitter. Criteria: GeneDx Variant Classification Process June 2021. Collection method: clinical testing. Allele origin: germline. Affected: yes.
Comment: Not observed at significant frequency in large population cohorts (gnomAD); Has not been previously published as pathogenic or benign to our knowledge; Frameshift variant predicted to result in protein truncation or nonsense mediated decay in a gene for which loss-of-function is not an established mechanism of disease

NM_014915.3(ANKRD26):c.2066dup (p.Ser690fs)

Gene: ANKRD26 (ankyrin repeat domain containing 26; minus strand). Cytogenetic location: 10p12.1.
Variant type: Duplication.
Coding change: c.2066dup on transcript NM_014915.3 (MANE Select); coding-DNA position 2066, one base duplicated (A; older notation c.2066dupA).
Protein change: p.Ser690fs; shifts the reading frame from serine 690.
Molecular consequence: frameshift variant.
Genome position (GRCh38, 1-based): chr10:27,043,521, T duplicated on the plus strand (A on the coding strand, the reverse complement: ANKRD26 is on the minus strand). VCF-style (leftmost placement, unchanged base first): chr10-27043520-C-CT. GRCh37 (hg19) VCF-style: chr10-27332449-C-CT.
Other names: c.2063dup, p.Ser689fs (NM_001256053.2); short protein forms S689fs, S690fs.
Identifiers: ClinVar variation 4070723 (VCV004070723.1).
Genomic context (GRCh38, chr10:27,043,520, plus strand): 5'-CATAAAATTCTTGTAACTAGAGTGGGGTAGCTCACAATCCTCTGAGGCTGTTTCAGATGA[C>CT]TGAGTTAAGTCATCAACATCATCCATAGACTGTATTTGGTTTTTGACCTATGAAATAAAT-3'